The following is an entry in ClinVar:

ClinVar aggregate classification (germline): Conflicting classifications of pathogenicity. Review status: criteria provided, conflicting classifications (1 of 4 stars). 2 submissions from 2 submitters: Uncertain significance (1); Likely benign (1). Last evaluated 2025-01-23.

Conditions:
Hereditary cancer-predisposing syndrome. Also called: Neoplastic Syndromes, Hereditary; Tumor predisposition; Hereditary Cancer Syndrome; Hereditary neoplastic syndrome. Identifiers: Orphanet 140162, MedGen C0027672, MeSH D009386, MONDO:0015356.

Submissions (2):

Ambry Genetics
Classification: Uncertain significance for Hereditary cancer-predisposing syndrome. Last evaluated: 2025-01-23. Review status: criteria provided, single submitter. Criteria: Ambry Variant Classification Scheme 2023. Collection method: clinical testing. Allele origin: germline.
Comment: The p.L2092F variant (also known as c.6274C>T), located in coding exon 10 of the BRCA2 gene, results from a C to T substitution at nucleotide position 6274. The leucine at codon 2092 is replaced by phenylalanine, an amino acid with highly similar properties. This variant was not reported in population based cohorts in the following databases: Database of Single Nucleotide Polymorphisms (dbSNP), NHLBI Exome Sequencing Project (ESP), and 1000 Genomes Project. In the ESP, this variant was not observed in 6502 samples (13004 alleles) with coverage at this position. To date, this alteration has been detected with an allele frequency of approximately 0.0004% (greater than 225000 alleles tested) in our clinical cohort. This amino acid position is not well conserved in available vertebrate species. In addition, this alteration is predicted to be tolerated by in silico analysis. Since supporting evidence is limited at this time, the clinical significance of this alteration remains unclear.

University of Washington Department of Laboratory Medicine, University of Washington
Classification: Likely benign for Hereditary cancer-predisposing syndrome. Last evaluated: 2023-03-23. Review status: criteria provided, single submitter. Criteria: Dines et al. (Genet Med. 2020). Collection method: curation. Allele origin: germline.
Comment: Missense variant in a coldspot region where missense variants are very unlikely to be pathogenic (PMID:31911673).

BRCA2 exon 11 coldspot. Reclassification based on statistical prior probability.

NM_000059.4(BRCA2):c.6274C>T (p.Leu2092Phe)

Gene: BRCA2 (BRCA2 DNA repair associated; plus strand). Cytogenetic location: 13q13.1.
Variant type: single nucleotide variant.
Coding change: c.6274C>T on transcript NM_000059.4 (MANE Select); coding-DNA position 6274, C replaced by T.
Protein change: p.Leu2092Phe; replaces leucine 2092 with phenylalanine.
Molecular consequence: missense variant.
Genome position (GRCh38, 1-based): chr13:32,340,629, C>T. VCF-style: chr13-32340629-C-T. GRCh37 (hg19) VCF-style: chr13-32914766-C-T.
Other names: short protein forms L2092F.
Identifiers: ClinVar variation 481529 (VCV000481529.8), dbSNP rs587779365, ClinGen allele CA387788977.